The following is an entry in ClinVar:

NM_000038.6(APC):c.787G>A (p.Gly263Ser)

Gene: APC (APC regulator of Wnt signaling pathway; plus strand). Cytogenetic location: 5q22.2.
Variant type: single nucleotide variant.
Coding change: c.787G>A on transcript NM_000038.6 (MANE Select); coding-DNA position 787, G replaced by A.
Protein change: p.Gly263Ser; replaces glycine 263 with serine.
Molecular consequence: missense variant. On other transcripts: 5 prime UTR variant (1).
Genome position (GRCh38, 1-based): chr5:112,801,336, G>A. VCF-style: chr5-112801336-G-A. GRCh37 (hg19) VCF-style: chr5-112137033-G-A.
Other names: c.787G>A, p.Gly263Ser (NM_001127510.3, NM_001354895.2, NM_001354896.2 and 1 more transcripts); c.733G>A, p.Gly245Ser (NM_001127511.3); c.817G>A, p.Gly273Ser (NM_001354897.2, NM_001354902.2); c.712G>A, p.Gly238Ser (NM_001354898.2, NM_001354904.2); c.703G>A, p.Gly235Ser (NM_001354899.2); c.610G>A, p.Gly204Ser (NM_001354900.2, NM_001354901.2, NM_001354905.2); c.-249G>A (NM_001354906.2); short protein forms G263S, G238S, G204S, G235S, G245S, G273S.
Identifiers: ClinVar variation 660035 (VCV000660035.12), dbSNP rs1580455055, ClinGen allele CA16023053.

ClinVar aggregate classification (germline): Uncertain significance. Review status: criteria provided, multiple submitters, no conflicts (2 of 4 stars). 3 submissions from 3 submitters: Uncertain significance (3). Last evaluated 2025-12-04.

Conditions:
Classic or attenuated familial adenomatous polyposis. Identifiers: MedGen CN372698, MONDO:0021057.
Hereditary cancer-predisposing syndrome. Also called: Hereditary neoplastic syndrome; Neoplastic Syndromes, Hereditary; Hereditary Cancer Syndrome; Tumor predisposition. Identifiers: Orphanet 140162, MedGen C0027672, MeSH D009386, MONDO:0015356.
Familial adenomatous polyposis 1 (FAP1). Also called: POLYPOSIS, ADENOMATOUS INTESTINAL; FAMILIAL ADENOMATOUS POLYPOSIS 1, ATTENUATED. Identifiers: MedGen C2713442, MONDO:0021056, OMIM 175100. Disease mechanism: loss of function.

Allele frequency attached by ClinVar (database versions not stated): gnomAD exomes below 0.00001.

Submissions (3):

Ambry Genetics
Classification: Uncertain significance for Hereditary cancer-predisposing syndrome. Last evaluated: 2025-12-04. Review status: criteria provided, single submitter. Criteria: Ambry Variant Classification Scheme 2023. Collection method: clinical testing. Allele origin: germline.
Comment: The p.G263S variant (also known as c.787G>A), located in coding exon 7 of the APC gene, results from a G to A substitution at nucleotide position 787. The glycine at codon 263 is replaced by serine, an amino acid with similar properties. This amino acid position is highly conserved in available vertebrate species. In addition, in silico predictors for this gene do not accurately predict pathogenicity. Missense variants in APC are not a common cause of disease (Spier I et al. Genet Med. 2024 Feb;26(2):100992). Based on the available evidence, the clinical significance of this variant remains unclear.

Labcorp Genetics (formerly Invitae), Labcorp
Classification: Uncertain significance for Familial adenomatous polyposis 1. Last evaluated: 2025-01-01. Review status: criteria provided, single submitter. Criteria: Invitae Variant Classification Sherloc (09022015). Collection method: clinical testing. Allele origin: germline.
Comment: This sequence change replaces glycine, which is neutral and non-polar, with serine, which is neutral and polar, at codon 263 of the APC protein (p.Gly263Ser). This variant is not present in population databases (gnomAD no frequency). This variant has not been reported in the literature in individuals affected with APC-related conditions. ClinVar contains an entry for this variant (Variation ID: 660035). Invitae Evidence Modeling of protein sequence and biophysical properties (such as structural, functional, and spatial information, amino acid conservation, physicochemical variation, residue mobility, and thermodynamic stability) indicates that this missense variant is not expected to disrupt APC protein function with a negative predictive value of 95%. In summary, the available evidence is currently insufficient to determine the role of this variant in disease. Therefore, it has been classified as a Variant of Uncertain Significance.

All of Us Research Program, National Institutes of Health
Classification: Uncertain significance for Classic or attenuated familial adenomatous polyposis. Last evaluated: 2023-04-03. Review status: criteria provided, single submitter. Criteria: ACMG Guidelines, 2015. Collection method: clinical testing. Allele origin: germline. Inheritance: Autosomal dominant inheritance. Observed: 1 variant allele, 1 heterozygote.
Comment: This missense variant replaces glycine with serine at codon 263 of the APC protein. Computational prediction suggests that this variant may not impact protein structure and function (internally defined REVEL score threshold <= 0.5, PMID: 27666373). To our knowledge, functional studies have not been reported for this variant. This variant has not been reported in individuals affected with APC-related disorders in the literature. This variant has not been identified in the general population by the Genome Aggregation Database (gnomAD). The available evidence is insufficient to determine the role of this variant in disease conclusively. Therefore, this variant is classified as a Variant of Uncertain Significance.

This study involves interpretation of variants in research participants for the purpose of population health screening. Participant phenotype was not available at the time of variant classification. Additional details can be found in publication PMID: 35346344, PMCID: PMC8962531